The following is an entry in ClinVar:

NM_002617.4(PEX10):c.601-5T>A

Gene: PEX10 (peroxisomal biogenesis factor 10; minus strand). Cytogenetic location: 1p36.32.
Variant type: single nucleotide variant.
Coding change: c.601-5T>A on transcript NM_002617.4 (MANE Select); 5 bases into the intron before coding-DNA position 601, T replaced by A.
Molecular consequence: intron variant. On other transcripts: nonsense (3).
Genome position (GRCh38, 1-based): chr1:2,406,900, A>T on the plus strand (T>A on the coding strand, the complement: PEX10 is on the minus strand). VCF-style: chr1-2406900-A-T. GRCh37 (hg19) VCF-style: chr1-2338339-A-T.
Other names: c.653T>A, p.Leu218Ter (NM_001374425.1); c.221T>A, p.Leu74Ter (NM_001374426.1); c.656T>A, p.Leu219Ter (NM_153818.2); c.169-5T>A (NM_001374427.1); short protein forms L218*, L219*, L74*.
Identifiers: ClinVar variation 4816951 (VCV004816951.1).

ClinVar aggregate classification (germline): Likely pathogenic (1 of 4 stars; one submission).

Conditions:
Zellweger spectrum disorders (ZS). Also called: Zellweger Spectrum Disorder (ZSD); Zellweger syndrome; Zellweger Spectrum Disorder; Zellweger Spectrum. Identifiers: Orphanet 912, MedGen C0043459, MONDO:0019609.

Submission:

Natera, Inc.
Classification: Likely pathogenic for Zellweger syndrome. Last evaluated: 2026-01-28. Review status: criteria provided, single submitter. Criteria: Natera Variant Classification Schema (03/2026). Collection method: clinical testing. Allele origin: germline.
Comment: The c.656T>A variant in PEX10 is a nonsense variant predicted to introduce a stop codon at amino acid 219. This variant is expected to result in nonsense mediated decay, truncation, or a dysfunctional protein product. This variant is rare in the general population with a frequency below the threshold expected for the associated phenotype(s). Given the available evidence, this variant is classified as Likely Pathogenic.